The following is an entry in ClinVar:

ClinVar aggregate classification (germline): Uncertain significance. Review status: criteria provided, multiple submitters, no conflicts (2 of 4 stars). 2 submissions from 2 submitters: Uncertain significance (2). Last evaluated 2026-05-26.

Conditions:
Inborn genetic diseases. Identifiers: MedGen C0950123, MeSH D030342.

Allele frequency attached by ClinVar (database versions not stated): TOPMed 0.00001; ExAC 0.00002; gnomAD exomes 0.00003; gnomAD 0.00001.

Submissions (2):

Ambry Genetics
Classification: Uncertain significance for Inborn genetic diseases. Last evaluated: 2026-05-26. Review status: criteria provided, single submitter. Criteria: Ambry Variant Classification Scheme 2023. Collection method: clinical testing. Allele origin: germline.

Labcorp Genetics (formerly Invitae), Labcorp
Classification: Uncertain significance. Last evaluated: 2020-12-31. Review status: criteria provided, single submitter. Criteria: Invitae Variant Classification Sherloc (09022015). Collection method: clinical testing. Allele origin: germline.
Comment: In summary, the available evidence is currently insufficient to determine the role of this variant in disease. Therefore, it has been classified as a Variant of Uncertain Significance. Algorithms developed to predict the effect of missense changes on protein structure and function are either unavailable or do not agree on the potential impact of this missense change (SIFT: "Deleterious"; PolyPhen-2: "Possibly Damaging"; Align-GVGD: "Class C0"). This variant has not been reported in the literature in individuals with CCDC8-related conditions. This variant is present in population databases (rs780573635, ExAC 0.03%). This sequence change replaces glutamic acid with valine at codon 394 of the CCDC8 protein (p.Glu394Val). The glutamic acid residue is moderately conserved and there is a moderate physicochemical difference between glutamic acid and valine.

NM_032040.5(CCDC8):c.1181A>T (p.Glu394Val)

Gene: CCDC8 (coiled-coil domain containing 8 subunit of 3M complex; minus strand). Cytogenetic location: 19q13.32.
Variant type: single nucleotide variant.
Coding change: c.1181A>T on transcript NM_032040.5 (MANE Select); coding-DNA position 1181, A replaced by T.
Protein change: p.Glu394Val; replaces glutamic acid 394 with valine.
Molecular consequence: missense variant.
Genome position (GRCh38, 1-based): chr19:46,411,630, T>A on the plus strand (A>T on the coding strand, the complement: CCDC8 is on the minus strand). VCF-style: chr19-46411630-T-A. GRCh37 (hg19) VCF-style: chr19-46914887-T-A.
Other names: c.1181A>T (NM_032040.3); short protein forms E394V.
Identifiers: ClinVar variation 1467526 (VCV001467526.9), dbSNP rs780573635, ClinGen allele CA9528527.